The following is an entry in ClinVar:

NM_203447.4(DOCK8):c.2440+159del

Gene: DOCK8 (dedicator of cytokinesis 8; plus strand). Cytogenetic location: 9p24.3.
Variant type: Deletion.
Coding change: c.2440+159del on transcript NM_203447.4 (MANE Select); 159 bases into the intron after coding-DNA position 2440, one base deleted (T; older notation c.2440+159delT).
Molecular consequence: intron variant.
Genome position (GRCh38, 1-based): chr9:377,370, T deleted; the last of 10 consecutive T bases (chr9:377,361-377,370); deleting any one gives the same sequence. VCF-style (leftmost placement, unchanged base first): chr9-377360-AT-A. GRCh37 (hg19) VCF-style: chr9-377360-AT-A.
Other names: c.2236+159del (NM_001193536.2, NM_001190458.2).
Identifiers: ClinVar variation 1287208 (VCV001287208.3), dbSNP rs57180068, ClinGen allele CA187815085.

ClinVar aggregate classification (germline): Benign. Review status: criteria provided, multiple submitters, no conflicts (2 of 4 stars). 2 submissions from 2 submitters: Benign (2). Last evaluated 2023-11-12.

Submissions (2):

Unidad de Genómica Garrahan, Hospital de Pediatría Garrahan
Classification: Benign. Last evaluated: 2023-11-12. Review status: criteria provided, single submitter. Criteria: ACMG Guidelines, 2015. Collection method: clinical testing. Allele origin: germline. Affected: no. Observed: 65 variant alleles.
Comment: This variant is classified as Benign based on local population frequency. This variant was detected in 68% of patients studied by a panel of primary immunodeficiencies. Number of patients: 65. Only high quality variants are reported.

GeneDx
Classification: Benign. Last evaluated: 2020-11-14. Review status: criteria provided, single submitter. Criteria: GeneDx Variant Classification Process June 2021. Collection method: clinical testing. Allele origin: germline. Affected: yes.